The following is an entry in ClinVar:

ClinVar aggregate classification (germline): Uncertain significance (1 of 4 stars; one submission).

Conditions:
Heterotopia, periventricular, X-linked dominant (PVNH1). Also called: PERIVENTRICULAR NODULAR HETEROTOPIA 1; X-linked periventricular heterotopia; PERIVENTRICULAR NODULAR HETEROTOPIA 4; HETEROTOPIA, PERIVENTRICULAR, 1. Identifiers: Orphanet 2149, Orphanet 82004, MedGen C1848213, MONDO:0010233, OMIM 300049.
Melnick-Needles syndrome (MNS). Also called: MELNICK-NEEDLES OSTEODYSPLASTY; OSTEODYSPLASTY OF MELNICK AND NEEDLES; Melnick-Needles Syndrome (FLNA-MNS). Identifiers: Orphanet 2484, MedGen C0025237, MONDO:0010650, OMIM 309350.
Frontometaphyseal dysplasia (FMD1). Identifiers: Orphanet 1826, MedGen C0265293, MONDO:0015942.
Oto-palato-digital syndrome, type II (OPD2). Also called: OPD II SYNDROME; FACIOPALATOOSSEOUS SYNDROME; Otopalatodigital Syndrome Type 2 (FLNA-OPD2); Otopalatodigital Syndrome, Type II. Identifiers: Orphanet 669, Orphanet 90652, MedGen C1844696, MONDO:0010571, OMIM 304120.

Allele frequency attached by ClinVar (database versions not stated): gnomAD exomes below 0.00001.

Submission:

Labcorp Genetics (formerly Invitae), Labcorp
Classification: Uncertain significance for Oto-palato-digital syndrome, type II; Heterotopia, periventricular, X-linked dominant; Frontometaphyseal dysplasia; Melnick-Needles syndrome. Last evaluated: 2020-04-20. Review status: criteria provided, single submitter. Criteria: Invitae Variant Classification Sherloc (09022015). Collection method: clinical testing. Allele origin: germline.
Comment: This sequence change replaces leucine with valine at codon 261 of the FLNA protein (p.Leu261Val). The leucine residue is highly conserved and there is a small physicochemical difference between leucine and valine. This variant is not present in population databases (ExAC no frequency). This variant has not been reported in the literature in individuals with FLNA-related conditions. Algorithms developed to predict the effect of missense changes on protein structure and function are either unavailable or do not agree on the potential impact of this missense change (SIFT: "Deleterious"; PolyPhen-2: "Possibly Damaging"; Align-GVGD: "Class C0"). In summary, the available evidence is currently insufficient to determine the role of this variant in disease. Therefore, it has been classified as a Variant of Uncertain Significance.

NM_001110556.2(FLNA):c.781C>G (p.Leu261Val)

Gene: FLNA (filamin A; minus strand). Cytogenetic location: Xq28.
Variant type: single nucleotide variant.
Coding change: c.781C>G on transcript NM_001110556.2 (MANE Select); coding-DNA position 781, C replaced by G.
Protein change: p.Leu261Val; replaces leucine 261 with valine.
Molecular consequence: missense variant.
Genome position (GRCh38, 1-based): chrX:154,367,484, G>C on the plus strand (C>G on the coding strand, the complement: FLNA is on the minus strand). VCF-style: chrX-154367484-G-C. GRCh37 (hg19) VCF-style: chrX-153595852-G-C.
Other names: c.781C>G, p.Leu261Val (NM_001456.4); short protein forms L261V.
Identifiers: ClinVar variation 1038884 (VCV001038884.9), dbSNP rs2067771137, ClinGen allele CA415248577.
Genomic context (GRCh38, chrX:154,367,484, plus strand): 5'-GGTTCAGTTTGGGCCGCAAGGGAGCCCCTGGCTTCAGCTTGGCCTTGGGGAACTGGGACA[G>C]GTAGGTCATGACAGAGTGCTCGTCCACGTTGGGGTCCACAATCTCCTCGGGGGTGATCAC-3'
Protein context (NP_001104026.1, residues 251-271): NVDEHSVMTY[Leu261Val]SQFPKAKLKP